The following is an entry in ClinVar:

NM_000540.3(RYR1):c.11691T>C (p.Asp3897=)

Gene: RYR1 (ryanodine receptor 1; plus strand). Cytogenetic location: 19q13.2.
Variant type: single nucleotide variant.
Coding change: c.11691T>C on transcript NM_000540.3 (MANE Select); coding-DNA position 11691, T replaced by C.
Protein change: p.Asp3897=; no amino-acid change (aspartic acid 3897 retained).
Molecular consequence: synonymous variant.
Genome position (GRCh38, 1-based): chr19:38,543,348, T>C. VCF-style: chr19-38543348-T-C. GRCh37 (hg19) VCF-style: chr19-39033988-T-C.
Other names: c.11676T>C, p.Asp3892= (NM_001042723.2).
Identifiers: ClinVar variation 385637 (VCV000385637.43), dbSNP rs201588544, ClinGen allele CA057527.

ClinVar aggregate classification (germline): Conflicting classifications of pathogenicity. Review status: criteria provided, conflicting classifications (1 of 4 stars). 5 submissions from 5 submitters: Uncertain significance (1); Likely benign (4). Last evaluated 2026-01-14.

Conditions:
RYR1-related disorder. Also called: RYR1-related condition; RYR1-related disorders. Identifiers: MedGen CN239331.
Malignant hyperthermia, susceptibility to, 1 (MHS1). Also called: Malignant hyperthermia suceptibility 1; Anesthesia related hyperthermia; Malignant hyperpyrexia; Fulminating hyperpyrexia; Pharmacogenic myopathy; RYR1-Related Malignant Hyperthermia Susceptibility. Identifiers: Orphanet 423, MedGen C2930980, MONDO:0007783, OMIM 145600.

Allele frequency attached by ClinVar (database versions not stated): ExAC 0.00005; gnomAD exomes 0.00005 and 0.00018; gnomAD 0.00010; TOPMed 0.00010; 1000 Genomes Project 0.00020; 1000 Genomes Project 30x 0.00031.
gnomAD v4.1: 270 of 1,614,160 alleles (0.017%); highest among the groups gnomAD compares: Non-Finnish European, 0.022%; no homozygotes.

Submissions (5):

Labcorp Genetics (formerly Invitae), Labcorp
Classification: Likely benign for RYR1-related disorder. Last evaluated: 2026-01-14. Review status: criteria provided, single submitter. Criteria: Invitae Variant Classification Sherloc (09022015). Collection method: clinical testing. Allele origin: germline.

CeGaT Center for Human Genetics Tuebingen
Classification: Likely benign. Last evaluated: 2025-01-01. Review status: criteria provided, single submitter. Criteria: CeGaT Center For Human Genetics Tuebingen Variant Classification Criteria Version 2. Collection method: clinical testing. Allele origin: germline. Affected: yes. Observed: 4 variant alleles.
Comment: RYR1: PM2:Supporting, BP4, BP7

Blueprint Genetics
Classification: Likely benign. Last evaluated: 2024-07-12. Review status: criteria provided, single submitter. Criteria: ACMG Guidelines, 2015. Collection method: clinical testing. Allele origin: germline.

GeneDx
Classification: Uncertain significance. Last evaluated: 2022-10-31. Review status: criteria provided, single submitter. Criteria: GeneDx Variant Classification Process June 2021. Collection method: clinical testing. Allele origin: germline. Affected: yes.
Comment: Not observed at significant frequency in large population cohorts (gnomAD); Has not been previously published as pathogenic or benign to our knowledge; In silico analysis suggests this variant may impact gene splicing. In the absence of RNA/functional studies, the actual effect of this sequence change is unknown.

Color Diagnostics, LLC DBA Color Health
Classification: Likely benign for Malignant hyperthermia, susceptibility to, 1. Last evaluated: 2022-09-20. Review status: criteria provided, single submitter. Criteria: ACMG Guidelines, 2015. Collection method: clinical testing. Allele origin: germline.